The following is an entry in ClinVar:

NM_000133.4(F9):c.1187G>A (p.Cys396Tyr)

Gene: F9 (coagulation factor IX; plus strand). Cytogenetic location: Xq27.1.
Variant type: single nucleotide variant.
Coding change: c.1187G>A on transcript NM_000133.4 (MANE Select); coding-DNA position 1187, G replaced by A.
Protein change: p.Cys396Tyr; replaces cysteine 396 with tyrosine.
Molecular consequence: missense variant.
Genome position (GRCh38, 1-based): chrX:139,561,872, G>A. VCF-style: chrX-139561872-G-A. GRCh37 (hg19) VCF-style: chrX-138644031-G-A.
Other names: c.1073G>A, p.Cys358Tyr (NM_001313913.2); short protein forms C396Y, C358Y.
Identifiers: ClinVar variation 2138745 (VCV002138745.4), dbSNP rs137852273, ClinGen allele CA414446367.
Genomic context (GRCh38, chrX:139,561,872, plus strand): 5'-TTGTTGACCGAGCCACATGTCTTCGATCTACAAAGTTCACCATCTATAACAACATGTTCT[G>A]TGCTGGCTTCCATGAAGGAGGTAGAGATTCATGTCAAGGAGATAGTGGGGGACCCCATGT-3'
Protein context (NP_000124.1, residues 386-406): TKFTIYNNMF[Cys396Tyr]AGFHEGGRDS

ClinVar aggregate classification (germline): Pathogenic (1 of 4 stars; one submission).

Conditions:
Thrombophilia, X-linked, due to factor 9 defect. Identifiers: MedGen C2749016, MONDO:0010432, OMIM 300807.
Hereditary factor IX deficiency disease (HEMB). Also called: Christmas Disease; F9 DEFICIENCY; FACTOR IX DEFICIENCY; PLASMA THROMBOPLASTIN COMPONENT DEFICIENCY; Hemophilia B. Identifiers: Orphanet 98879, MedGen C0008533, MeSH D002836, MONDO:0010604, OMIM 306900.

Submission:

Labcorp Genetics (formerly Invitae), Labcorp
Classification: Pathogenic for Thrombophilia, X-linked, due to factor 9 defect; Hereditary factor IX deficiency disease. Last evaluated: 2022-01-04. Review status: criteria provided, single submitter. Criteria: Invitae Variant Classification Sherloc (09022015). Collection method: clinical testing. Allele origin: germline.
Comment: For these reasons, this variant has been classified as Pathogenic. Advanced modeling of protein sequence and biophysical properties (such as structural, functional, and spatial information, amino acid conservation, physicochemical variation, residue mobility, and thermodynamic stability) performed at Invitae indicates that this missense variant is expected to disrupt F9 protein function. This variant is also known as 31170G>A, 350C>Y. This missense change has been observed in individuals with hemophilia B (PMID: 7937052, 19699296). This variant is not present in population databases (gnomAD no frequency). This sequence change replaces cysteine, which is neutral and slightly polar, with tyrosine, which is neutral and polar, at codon 396 of the F9 protein (p.Cys396Tyr).

Literature cited by the submitters: PubMed 7937052; PubMed 19699296.